The following is an entry in ClinVar:

ClinVar aggregate classification (germline): Conflicting classifications of pathogenicity. Review status: criteria provided, conflicting classifications (1 of 4 stars). 7 submissions from 6 submitters: Uncertain significance (4); Likely benign (3). Last evaluated 2026-04-08.

Conditions:
Left ventricular noncompaction 10 (LVNC10). Identifiers: Orphanet 154, Orphanet 54260, MedGen C3715165, MONDO:0014163, OMIM 615396.
Cardiovascular phenotype. Identifiers: MedGen CN230736.
Hypertrophic cardiomyopathy 4. Also called: Familial hypertrophic cardiomyopathy 4. Identifiers: MedGen C1861862, MONDO:0007268, OMIM 115197.
Cardiomyopathy (CMYO). Also called: Cardiomyopathies. Identifiers: Orphanet 167848, MedGen C0878544, MONDO:0004994, HP:0001638. Inheritance: Various modes of inheritance.
Hypertrophic cardiomyopathy. Also called: HYPERTROPHIC MYOCARDIOPATHY. Identifiers: Orphanet 217569, MedGen C0007194, MeSH D002312, MONDO:0005045, HP:0001639.

Allele frequency attached by ClinVar (database versions not stated): gnomAD 0.00001; gnomAD exomes 0.00001 and below 0.00001; TOPMed below 0.00001.
gnomAD v4.1: 13 of 1,608,054 alleles (0.00081%); highest among the groups gnomAD compares: East Asian, 0.013%; no homozygotes.

Submissions (7):

GeneDx
Classification: Uncertain significance. Last evaluated: 2026-04-08. Review status: criteria provided, single submitter. Criteria: GeneDx Variant Classification Process June 2021. Collection method: clinical testing. Allele origin: germline.
Comment: Not observed at significant frequency in large population cohorts (gnomAD); Has not been previously published as pathogenic or benign to our knowledge; In silico analysis suggests this variant may impact gene splicing. In the absence of RNA/functional studies, the actual effect of this sequence change is unknown.

Labcorp Genetics (formerly Invitae), Labcorp
Classification: Likely benign for Hypertrophic cardiomyopathy. Last evaluated: 2026-01-19. Review status: criteria provided, single submitter. Criteria: Invitae Variant Classification Sherloc (09022015). Collection method: clinical testing. Allele origin: germline.

All of Us Research Program, National Institutes of Health
Classification: Likely benign for Hypertrophic cardiomyopathy. Last evaluated: 2023-12-18. Review status: criteria provided, single submitter. Criteria: ACMG Guidelines, 2015. Collection method: clinical testing. Allele origin: germline. Inheritance: Autosomal dominant inheritance. Observed: 5 variant alleles, 5 heterozygotes.
Comment: This study involves interpretation of variants in research participants for the purpose of population health screening. Participant phenotype was not available at the time of variant classification. Additional details can be found in publication PMID: 35346344, PMCID: PMC8962531

Ambry Genetics
Classification: Uncertain significance for Cardiovascular phenotype. Last evaluated: 2023-05-30. Review status: criteria provided, single submitter. Criteria: Ambry Variant Classification Scheme 2023. Collection method: clinical testing. Allele origin: germline.
Comment: The c.3810G>A variant (also known as p.V1270V), located in coding exon 33 of the MYBPC3 gene, results from a G to A substitution at nucleotide position 3810. This nucleotide substitution does not change the valine at codon 1270. This nucleotide position is not well conserved in available vertebrate species. In silico splice site analysis predicts that this alteration may result in the creation or strengthening of a novel splice donor site. Since supporting evidence is limited at this time, the clinical significance of this alteration remains unclear.

Color Diagnostics, LLC DBA Color Health
Classification: Likely benign for Cardiomyopathy. Last evaluated: 2020-08-24. Review status: criteria provided, single submitter. Criteria: ACMG Guidelines, 2015. Collection method: clinical testing. Allele origin: germline.

Illumina Laboratory Services, Illumina
Classification: Uncertain significance for Hypertrophic cardiomyopathy 4. Last evaluated: 2018-01-13. Review status: criteria provided, single submitter. Criteria: ICSL Variant Classification Criteria 13 December 2019. Collection method: clinical testing. Allele origin: germline.

Illumina Laboratory Services, Illumina
Classification: Uncertain significance for Left ventricular noncompaction 10. Last evaluated: 2018-01-13. Review status: criteria provided, single submitter. Criteria: ICSL Variant Classification Criteria 13 December 2019. Collection method: clinical testing. Allele origin: germline.

NM_000256.3(MYBPC3):c.3810G>A (p.Val1270=)

Gene: MYBPC3 (myosin binding protein C3; minus strand). Cytogenetic location: 11p11.2.
Variant type: single nucleotide variant.
Coding change: c.3810G>A on transcript NM_000256.3 (MANE Select); coding-DNA position 3810, G replaced by A.
Protein change: p.Val1270=; no amino-acid change (valine 1270 retained).
Molecular consequence: synonymous variant.
Genome position (GRCh38, 1-based): chr11:47,332,076, C>T on the plus strand (G>A on the coding strand, the complement: MYBPC3 is on the minus strand). VCF-style: chr11-47332076-C-T. GRCh37 (hg19) VCF-style: chr11-47353627-C-T.
Identifiers: ClinVar variation 880112 (VCV000880112.18), dbSNP rs1255638075, ClinGen allele CA474428810.